The following is an entry in ClinVar:

NM_005909.5(MAP1B):c.5065T>C (p.Tyr1689His)

Gene: MAP1B (microtubule associated protein 1B; plus strand). Cytogenetic location: 5q13.2.
Variant type: single nucleotide variant.
Coding change: c.5065T>C on transcript NM_005909.5 (MANE Select); coding-DNA position 5065, T replaced by C.
Protein change: p.Tyr1689His; replaces tyrosine 1689 with histidine.
Molecular consequence: missense variant.
Genome position (GRCh38, 1-based): chr5:72,198,420, T>C. VCF-style: chr5-72198420-T-C. GRCh37 (hg19) VCF-style: chr5-71494247-T-C.
Other names: c.4687T>C, p.Tyr1563His (NM_001324255.2); short protein forms Y1563H, Y1689H.
Identifiers: ClinVar variation 3373044 (VCV003373044.1).

ClinVar aggregate classification (germline): Uncertain significance (1 of 4 stars; one submission).

gnomAD v4.1: 1 of 1,613,984 alleles (0.000062%); highest among the groups gnomAD compares: Non-Finnish European, 0.000085%; no homozygotes.

Submission:

GeneDx
Classification: Uncertain significance. Last evaluated: 2024-04-24. Review status: criteria provided, single submitter. Criteria: GeneDx Variant Classification Process June 2021. Collection method: clinical testing. Allele origin: germline. Affected: yes.
Comment: Not observed at significant frequency in large population cohorts (gnomAD); In silico analysis indicates that this missense variant does not alter protein structure/function; Has not been previously published as pathogenic or benign to our knowledge